The following is an entry in ClinVar:

NM_024757.5(EHMT1):c.2675T>G (p.Leu892Arg)

Gene: EHMT1 (euchromatic histone lysine methyltransferase 1; plus strand). Cytogenetic location: 9q34.3.
Variant type: single nucleotide variant.
Coding change: c.2675T>G on transcript NM_024757.5 (MANE Select); coding-DNA position 2675, T replaced by G.
Protein change: p.Leu892Arg; replaces leucine 892 with arginine.
Molecular consequence: missense variant.
Genome position (GRCh38, 1-based): chr9:137,800,947, T>G. VCF-style: chr9-137800947-T-G. GRCh37 (hg19) VCF-style: chr9-140695399-T-G.
Other names: c.2654T>G, p.Leu885Arg (NM_001354263.2); short protein forms L885R, L892R.
Identifiers: ClinVar variation 3236899 (VCV003236899.1).

ClinVar aggregate classification (germline): Pathogenic (1 of 4 stars; one submission).

Conditions:
Kleefstra syndrome 1 (KLEFS1). Identifiers: Orphanet 261494, MedGen C0795833, MONDO:0027407, OMIM 610253.

Submission:

Laboratory of Genetics, Children's Clinical University Hospital Latvia
Classification: Pathogenic for Kleefstra syndrome 1. Review status: criteria provided, single submitter. Criteria: ACMG Guidelines, 2015. Collection method: curation. Allele origin: de novo. Affected: yes.
Comment: de novo

Literature cited by the submitters: PubMed 39013458.